The following is an entry in ClinVar:

ClinVar aggregate classification (germline): Uncertain significance (1 of 4 stars; one submission).

gnomAD v4.1: 11 of 1,613,714 alleles (0.00068%); highest among the groups gnomAD compares: Admixed American, 0.0067%; no homozygotes.

Submission:

Labcorp Genetics (formerly Invitae), Labcorp
Classification: Uncertain significance. Last evaluated: 2024-09-30. Review status: criteria provided, single submitter. Criteria: Invitae Variant Classification Sherloc (09022015). Collection method: clinical testing. Allele origin: germline.
Comment: This sequence change replaces aspartic acid, which is acidic and polar, with asparagine, which is neutral and polar, at codon 250 of the STN1 protein (p.Asp250Asn). This variant is present in population databases (rs767922406, gnomAD 0.009%). This variant has not been reported in the literature in individuals affected with STN1-related conditions. Invitae Evidence Modeling of protein sequence and biophysical properties (such as structural, functional, and spatial information, amino acid conservation, physicochemical variation, residue mobility, and thermodynamic stability) indicates that this missense variant is not expected to disrupt STN1 protein function with a negative predictive value of 80%. In summary, the available evidence is currently insufficient to determine the role of this variant in disease. Therefore, it has been classified as a Variant of Uncertain Significance.

NM_024928.5(STN1):c.748G>A (p.Asp250Asn)

Gene: STN1 (STN1 subunit of CST complex; minus strand). Cytogenetic location: 10q24.33.
Variant type: single nucleotide variant.
Coding change: c.748G>A on transcript NM_024928.5 (MANE Select); coding-DNA position 748, G replaced by A.
Protein change: p.Asp250Asn; replaces aspartic acid 250 with asparagine.
Molecular consequence: missense variant.
Genome position (GRCh38, 1-based): chr10:103,897,553, C>T on the plus strand (G>A on the coding strand, the complement: STN1 is on the minus strand). VCF-style: chr10-103897553-C-T. GRCh37 (hg19) VCF-style: chr10-105657311-C-T.
Other names: short protein forms D250N.
Identifiers: ClinVar variation 3659549 (VCV003659549.2).
Genomic context (GRCh38, chr10:103,897,553, plus strand): 5'-AGTTGCAGATCTGGGGCAGGGAACCAGAATTCTCACATGGGCATGCTGCACTCACTTGGT[C>T]GGAGGAGGCACTGTGAATCACAGGCTGATTGGCAAGGGACAGCAAAGACTCCACCATTTC-3'
Protein context (NP_079204.2, residues 240-260): NQPVIHSASS[Asp250Asn]QVNFKKDTTS